The following is an entry in ClinVar:

NM_002474.3(MYH11):c.3442C>T (p.Leu1148=)

Gene: MYH11 (myosin heavy chain 11; minus strand). Cytogenetic location: 16p13.11.
Variant type: single nucleotide variant.
Coding change: c.3442C>T on transcript NM_002474.3 (MANE Select); coding-DNA position 3442, C replaced by T.
Protein change: p.Leu1148=; no amino-acid change (leucine 1148 retained).
Molecular consequence: synonymous variant.
Genome position (GRCh38, 1-based): chr16:15,735,430, G>A on the plus strand (C>T on the coding strand, the complement: MYH11 is on the minus strand). VCF-style: chr16-15735430-G-A. GRCh37 (hg19) VCF-style: chr16-15829287-G-A.
Other names: c.3463C>T, p.Leu1155= (NM_001040114.2, NM_001040113.2); c.3442C>T, p.Leu1148= (NM_022844.3).
Identifiers: ClinVar variation 3074145 (VCV003074145.1), dbSNP rs2506176971, ClinGen allele CA493777062.

ClinVar aggregate classification (germline): Likely benign (1 of 4 stars; one submission).

Conditions:
Familial thoracic aortic aneurysm and aortic dissection (TAAD). Also called: Thoracic aortic aneurysms and dissections. Identifiers: Orphanet 91387, MedGen C4707243, MONDO:0019625.

Submission:

All of Us Research Program, National Institutes of Health
Classification: Likely benign for Familial thoracic aortic aneurysm and aortic dissection. Last evaluated: 2023-10-23. Review status: criteria provided, single submitter. Criteria: ACMG Guidelines, 2015. Collection method: clinical testing. Allele origin: germline. Inheritance: Autosomal dominant inheritance. Observed: 1 variant allele, 1 heterozygote.
Comment: This study involves interpretation of variants in research participants for the purpose of population health screening. Participant phenotype was not available at the time of variant classification. Additional details can be found in publication PMID: 35346344, PMCID: PMC8962531